The following is an entry in ClinVar:

ClinVar aggregate classification (germline): Uncertain significance (1 of 4 stars; one submission).

Conditions:
Hereditary cancer-predisposing syndrome. Also called: Neoplastic Syndromes, Hereditary; Tumor predisposition; Hereditary Cancer Syndrome; Hereditary neoplastic syndrome. Identifiers: Orphanet 140162, MedGen C0027672, MeSH D009386, MONDO:0015356.

Allele frequency attached by ClinVar (database versions not stated): gnomAD exomes below 0.00001.
gnomAD v4.1: 1 of 1,574,896 alleles (0.000063%); highest among the groups gnomAD compares: Non-Finnish European, 0.000086%; no homozygotes.

Submission:

Ambry Genetics
Classification: Uncertain significance for Hereditary cancer-predisposing syndrome. Last evaluated: 2021-12-10. Review status: criteria provided, single submitter. Criteria: Ambry Variant Classification Scheme 2023. Collection method: clinical testing. Allele origin: germline.
Comment: The p.N416I variant (also known as c.1247A>T), located in coding exon 9 of the RAD50 gene, results from an A to T substitution at nucleotide position 1247. The asparagine at codon 416 is replaced by isoleucine, an amino acid with dissimilar properties. This amino acid position is conserved. In addition, this alteration is predicted to be tolerated by in silico analysis. Since supporting evidence is limited at this time, the clinical significance of this alteration remains unclear.

NM_005732.4(RAD50):c.1247A>T (p.Asn416Ile)

Gene: RAD50 (RAD50 double strand break repair protein; plus strand). Cytogenetic location: 5q31.1.
Variant type: single nucleotide variant.
Coding change: c.1247A>T on transcript NM_005732.4 (MANE Select); coding-DNA position 1247, A replaced by T.
Protein change: p.Asn416Ile; replaces asparagine 416 with isoleucine.
Molecular consequence: missense variant.
Genome position (GRCh38, 1-based): chr5:132,589,632, A>T. VCF-style: chr5-132589632-A-T. GRCh37 (hg19) VCF-style: chr5-131925324-A-T.
Other names: short protein forms N416I.
Identifiers: ClinVar variation 1759761 (VCV001759761.2), dbSNP rs1554098297, ClinGen allele CA360943544.